The following is an entry in ClinVar:

NM_002473.6(MYH9):c.1468GAG[1] (p.Glu491del)

Gene: MYH9 (myosin heavy chain 9; minus strand). Cytogenetic location: 22q12.3.
Variant type: Microsatellite.
Coding change: c.1468GAG[1] on transcript NM_002473.6 (MANE Select); one copy of the 3-base unit GAG starting at c.1468; the reference has two copies in a row; one copy, 3 bases deleted; also written c.1471_1473del.
Protein change: p.Glu491del; deletes glutamic acid 491.
Molecular consequence: inframe deletion.
Genome position (GRCh38, 1-based): chr22:36,314,226-36,314,228, CTC deleted on the plus strand (GAG on the coding strand, the reverse complement: MYH9 is on the minus strand); deleting any 3 consecutive bases within chr22:36,314,226-36,314,233 gives the same sequence; the position shown is the placement nearest the transcript's 3' end. VCF-style (leftmost placement, unchanged base first): chr22-36314225-ACTC-A. GRCh37 (hg19) VCF-style: chr22-36710270-ACTC-A.
Other names: c.1471_1473del (NM_002473.4); c.1471_1473delGAG (NM_002473.4); short protein forms E491del.
Identifiers: ClinVar variation 504999 (VCV000504999.5), dbSNP rs1556635817, ClinGen allele CA658799545.

ClinVar aggregate classification (germline): Conflicting classifications of pathogenicity. Review status: criteria provided, conflicting classifications (1 of 4 stars). 2 submissions from 2 submitters: Likely pathogenic (1); Uncertain significance (1). Last evaluated 2025-03-28.

Submissions (2):

GeneDx
Classification: Likely pathogenic. Last evaluated: 2025-03-28. Review status: criteria provided, single submitter. Criteria: GeneDx Variant Classification Process June 2021. Collection method: clinical testing. Allele origin: germline. Affected: yes.
Comment: Not observed at significant frequency in large population cohorts (gnomAD); In-frame deletion of 1 amino acid(s) in a non-repeat region; In silico analysis supports a deleterious effect on protein structure/function; Has not been previously published as pathogenic or benign to our knowledge

Laboratory for Molecular Medicine, Mass General Brigham Personalized Medicine
Classification: Uncertain significance. Last evaluated: 2016-06-28. Review status: criteria provided, single submitter. Criteria: LMM Criteria. Collection method: clinical testing. Allele origin: germline. Observed: 1 variant allele.
Comment: Variant classified as Uncertain Significance - Favor Pathogenic. The p.Glu491del variant in MYH9 has not been previously reported in individuals with hearing lo ss or MYH9-related disorder. This variant was absent from large population stud ies, though the ability of these studies to accurately detect indels may be limi ted. This variant is a deletion of one amino acid at position 491 and is not pre dicted to alter the protein reading-frame. This variant is located within the m yosin-head domain of the MYH9 protein and is highly conserved; however it is unc lear if this deletion will impact the protein. In summary, while there is suspic ion for a pathogenic role, the clinical significance of the p.Glu491del variant is uncertain.